The following is an entry in ClinVar:

ClinVar aggregate classification (germline): Benign/Likely benign. Review status: criteria provided, multiple submitters, no conflicts (2 of 4 stars). 3 submissions from 3 submitters: Benign (1); Likely benign (2). Last evaluated 2025-07-27.

Conditions:
Familial melanoma. Also called: Hereditary melanoma; Hereditary cutaneous melanoma. Identifiers: Orphanet 618, MedGen C1512419, MONDO:0018961.
Hereditary cancer-predisposing syndrome. Also called: Hereditary neoplastic syndrome; Tumor predisposition; Hereditary Cancer Syndrome; Neoplastic Syndromes, Hereditary. Identifiers: Orphanet 140162, MedGen C0027672, MeSH D009386, MONDO:0015356.
Melanoma, cutaneous malignant, susceptibility to, 3. Also called: Cutaneous malignant melanoma 3. Identifiers: Orphanet 618, MedGen C1836892, MONDO:0012183, OMIM 609048.

Allele frequency attached by ClinVar (database versions not stated): TOPMed below 0.00001.

Submissions (3):

Labcorp Genetics (formerly Invitae), Labcorp
Classification: Likely benign for Familial melanoma. Last evaluated: 2025-07-27. Review status: criteria provided, single submitter. Criteria: Invitae Variant Classification Sherloc (09022015). Collection method: clinical testing. Allele origin: germline.

Myriad Genetics, Inc.
Classification: Benign for Melanoma, cutaneous malignant, susceptibility to, 3. Last evaluated: 2024-09-24. Review status: criteria provided, single submitter. Criteria: Myriad Autosomal Dominant, Autosomal Recessive and X-Linked Classification Criteria (2023). Collection method: clinical testing. Allele origin: unknown.
Comment: This variant is considered benign. This variant is a silent/synonymous amino acid change and it is not expected to impact splicing.

Ambry Genetics
Classification: Likely benign for Hereditary cancer-predisposing syndrome. Last evaluated: 2023-08-25. Review status: criteria provided, single submitter. Criteria: Ambry Variant Classification Scheme 2023. Collection method: clinical testing. Allele origin: germline.

NM_000075.4(CDK4):c.123T>C (p.Asn41=)

Genes: CDK4 (cyclin dependent kinase 4; minus strand), LOC130008148 (ATAC-STARR-seq lymphoblastoid silent region 4588; plus strand). Cytogenetic location: 12q14.1.
Variant type: single nucleotide variant.
Coding change: c.123T>C on transcript NM_000075.4 (MANE Select); coding-DNA position 123, T replaced by C.
Protein change: p.Asn41=; no amino-acid change (asparagine 41 retained).
Molecular consequence: synonymous variant.
Genome position (GRCh38, 1-based): chr12:57,751,595, A>G on the plus strand (T>C on the coding strand, the complement: CDK4 is on the minus strand). VCF-style: chr12-57751595-A-G. GRCh37 (hg19) VCF-style: chr12-58145378-A-G.
Identifiers: ClinVar variation 2586839 (VCV002586839.4), dbSNP rs1955238187, ClinGen allele CA480404880.